The following is an entry in ClinVar:

ClinVar aggregate classification (germline): Uncertain significance (1 of 4 stars; one submission).

Conditions:
Cobalamin C disease. Also called: Methylmalonic aciduria and homocystinuria, Vitamin B12-responsive; Vitamin B12 metabolic defect with combined deficiency of methylmalonyl-CoA mutase and homocysteine:methyltetrahydrofolate methyltransferase; Cobalamin-C methylmalonic acidemia and homocystinuria; Methylmalonic acidemia and homocystinuria cblC type; Methylmalonic aciduria with homocystinuria cblC type; methylmalonic aciduria and homocystinuria type cblC. Identifiers: Orphanet 26, Orphanet 79282, MedGen C1848561, MONDO:0010184, OMIM 277400.

Allele frequency attached by ClinVar (database versions not stated): gnomAD exomes below 0.00001 and 0.00001; ExAC 0.00001.
gnomAD v4.1: 2 of 1,614,140 alleles (0.00012%); highest among the groups gnomAD compares: Admixed American, 0.0033%; no homozygotes.

Submission:

Labcorp Genetics (formerly Invitae), Labcorp
Classification: Uncertain significance for Cobalamin C disease. Last evaluated: 2021-08-31. Review status: criteria provided, single submitter. Criteria: Invitae Variant Classification Sherloc (09022015). Collection method: clinical testing. Allele origin: germline.
Comment: This sequence change replaces valine with aspartic acid at codon 5 of the MMACHC protein (p.Val5Asp). The valine residue is moderately conserved and there is a large physicochemical difference between valine and aspartic acid. This variant is present in population databases (rs780981680, ExAC 0.009%). This variant has not been reported in the literature in individuals affected with MMACHC-related conditions. Algorithms developed to predict the effect of missense changes on protein structure and function are either unavailable or do not agree on the potential impact of this missense change (SIFT: "Deleterious"; PolyPhen-2: "Possibly Damaging"; Align-GVGD: "Class C0"). In summary, the available evidence is currently insufficient to determine the role of this variant in disease. Therefore, it has been classified as a Variant of Uncertain Significance.

NM_015506.3(MMACHC):c.14T>A (p.Val5Asp)

Gene: MMACHC (metabolism of cobalamin associated C; plus strand). Cytogenetic location: 1p34.1.
Variant type: single nucleotide variant.
Coding change: c.14T>A on transcript NM_015506.3 (MANE Select); coding-DNA position 14, T replaced by A.
Protein change: p.Val5Asp; replaces valine 5 with aspartic acid.
Molecular consequence: missense variant. On other transcripts: 5 prime UTR variant (1).
Genome position (GRCh38, 1-based): chr1:45,500,346, T>A. VCF-style: chr1-45500346-T-A. GRCh37 (hg19) VCF-style: chr1-45966018-T-A.
Other names: c.-209T>A (NM_001330540.2); short protein forms V5D.
Identifiers: ClinVar variation 1405023 (VCV001405023.5), dbSNP rs780981680, ClinGen allele CA827596.